The following is an entry in ClinVar:

NM_000465.4(BARD1):c.1252C>T (p.Pro418Ser)

Gene: BARD1 (BRCA1 associated RING domain 1; minus strand). Cytogenetic location: 2q35.
Variant type: single nucleotide variant.
Coding change: c.1252C>T on transcript NM_000465.4 (MANE Select); coding-DNA position 1252, C replaced by T.
Protein change: p.Pro418Ser; replaces proline 418 with serine.
Molecular consequence: missense variant. On other transcripts: non-coding transcript variant (2), intron variant (3).
Genome position (GRCh38, 1-based): chr2:214,780,622, G>A on the plus strand (C>T on the coding strand, the complement: BARD1 is on the minus strand). VCF-style: chr2-214780622-G-A. GRCh37 (hg19) VCF-style: chr2-215645346-G-A.
Other names: c.1195C>T, p.Pro399Ser (NM_001282543.2); c.159-28067C>T (NM_001282548.2); c.215+16439C>T (NM_001282545.2); c.364+11675C>T (NM_001282549.2); short protein forms P399S, P418S.
Identifiers: ClinVar variation 2663582 (VCV002663582.2), dbSNP rs2469501410, ClinGen allele CA350453545.

ClinVar aggregate classification (germline): Uncertain significance. Review status: criteria provided, multiple submitters, no conflicts (2 of 4 stars). 2 submissions from 2 submitters: Uncertain significance (2). Last evaluated 2026-07-06.

Conditions:
Hereditary cancer-predisposing syndrome. Also called: Hereditary neoplastic syndrome; Hereditary Cancer Syndrome; Neoplastic Syndromes, Hereditary; Tumor predisposition. Identifiers: Orphanet 140162, MedGen C0027672, MeSH D009386, MONDO:0015356.

Submissions (2):

Ambry Genetics
Classification: Uncertain significance for Hereditary cancer-predisposing syndrome. Last evaluated: 2026-07-06. Review status: criteria provided, single submitter. Criteria: Ambry Variant Classification Scheme 2023. Collection method: clinical testing. Allele origin: germline.
Comment: The p.P418S variant (also known as c.1252C>T), located in coding exon 4 of the BARD1 gene, results from a C to T substitution at nucleotide position 1252. The proline at codon 418 is replaced by serine, an amino acid with similar properties. This amino acid position is conserved. In addition, this alteration is predicted to be tolerated by in silico analysis. Based on the available evidence, the clinical significance of this variant remains unclear.

GeneDx
Classification: Uncertain significance. Last evaluated: 2023-05-09. Review status: criteria provided, single submitter. Criteria: GeneDx Variant Classification Process June 2021. Collection method: clinical testing. Allele origin: germline. Affected: yes.
Comment: Not observed at significant frequency in large population cohorts (gnomAD); In silico analysis supports that this missense variant does not alter protein structure/function; Has not been previously published as pathogenic or benign to our knowledge